The following is an entry in ClinVar:

NM_006415.4(SPTLC1):c.560+16G>A

Gene: SPTLC1 (serine palmitoyltransferase long chain base subunit 1; minus strand). Cytogenetic location: 9q22.31.
Variant type: single nucleotide variant.
Coding change: c.560+16G>A on transcript NM_006415.4 (MANE Select); 16 bases into the intron after coding-DNA position 560, G replaced by A.
Molecular consequence: intron variant.
Genome position (GRCh38, 1-based): chr9:92,067,950, C>T on the plus strand (G>A on the coding strand, the complement: SPTLC1 is on the minus strand). VCF-style: chr9-92067950-C-T. GRCh37 (hg19) VCF-style: chr9-94830232-C-T.
Other names: c.560+16G>A (LRG_272t1, NM_001281303.2); c.194+16G>A (NM_001368272.1); c.95+16G>A (NM_001368273.1).
Identifiers: ClinVar variation 511293 (VCV000511293.5), dbSNP rs73512337, ClinGen allele CA5121511.

ClinVar aggregate classification (germline): Likely benign. Review status: criteria provided, multiple submitters, no conflicts (2 of 4 stars). 3 submissions from 3 submitters: Likely benign (3). Last evaluated 2023-09-06.

Conditions:
Hereditary sensory and autonomic neuropathy type 1 (HSAN1). Also called: HSAN 1; HSN Type I; Hereditary Sensory Neuropathy Type I. Identifiers: Orphanet 36386, MedGen C0020071, MONDO:0018213.
Charcot-Marie-Tooth disease. Also called: Charcot-Marie-Tooth Neuropathy; Charcot-Marie-Tooth Hereditary Neuropathy. Identifiers: Orphanet 166, MedGen C0007959, MONDO:0015626.

Allele frequency attached by ClinVar (database versions not stated): 1000 Genomes Project 30x 0.00016.
gnomAD v4.1: 16 of 1,612,968 alleles (0.00099%); highest among the groups gnomAD compares: East Asian, 0.0089%; no homozygotes.

Submissions (3):

Labcorp Genetics (formerly Invitae), Labcorp
Classification: Likely benign for Hereditary sensory and autonomic neuropathy type 1. Last evaluated: 2023-09-06. Review status: criteria provided, single submitter. Criteria: Invitae Variant Classification Sherloc (09022015). Collection method: clinical testing. Allele origin: germline.

GeneDx
Classification: Likely benign. Last evaluated: 2017-08-18. Review status: criteria provided, single submitter. Criteria: GeneDx Variant Classification (06012015). Collection method: clinical testing. Allele origin: germline. Affected: yes.
Comment: This variant is considered likely benign or benign based on one or more of the following criteria: it is a conservative change, it occurs at a poorly conserved position in the protein, it is predicted to be benign by multiple in silico algorithms, and/or has population frequency not consistent with disease.

Molecular Genetics Laboratory, London Health Sciences Centre
Classification: Likely benign for Charcot-Marie-Tooth disease. Review status: criteria provided, single submitter. Criteria: ACMG Guidelines, 2015. Collection method: clinical testing. Allele origin: germline. Affected: yes.